The following is an entry in ClinVar:

ClinVar aggregate classification (germline): Uncertain significance (1 of 4 stars; one submission).

gnomAD v4.1: 4 of 1,613,916 alleles (0.00025%); highest among the groups gnomAD compares: Non-Finnish European, 0.00025%; no homozygotes.

Submission:

Clinical Genomics Laboratory, Washington University in St. Louis
Classification: Uncertain significance. Last evaluated: 2023-11-06. Review status: criteria provided, single submitter. Criteria: ACMG Guidelines, 2015. Collection method: clinical testing. Allele origin: germline.
Comment: The DPYSL2 c.404C>T (p.Ser135Leu) variant, to our knowledge, has not been reported in the medical literature. This variant is only observed on 1/251,290 alleles in the general population (gnomAD v.2.1.1), indicating it is not a common variant. This variant occurs in a beta sheet and changes a polar serine to a nonpolar leucine and computational predictors indicate that the variant is damaging, evidence that correlates with impact to DPYSL2 function. Due to limited information, the clinical significance of this variant is uncertain.

NM_001197293.3(DPYSL2):c.404C>T (p.Ser135Leu)

Gene: DPYSL2 (dihydropyrimidinase like 2; plus strand). Cytogenetic location: 8p21.2.
Variant type: single nucleotide variant.
Coding change: c.404C>T on transcript NM_001197293.3 (MANE Select); coding-DNA position 404, C replaced by T.
Protein change: p.Ser135Leu; replaces serine 135 with leucine.
Molecular consequence: missense variant. On other transcripts: 5 prime UTR variant (1).
Genome position (GRCh38, 1-based): chr8:26,582,018, C>T. VCF-style: chr8-26582018-C-T. GRCh37 (hg19) VCF-style: chr8-26439534-C-T.
Other names: c.-20C>T (NM_001244604.2); c.89C>T, p.Ser30Leu (NM_001386.6); short protein forms S135L, S30L.
Identifiers: ClinVar variation 3236612 (VCV003236612.1), dbSNP rs1212338896, ClinGen allele CA370783648.